The following is an entry in ClinVar:

ClinVar aggregate classification (germline): Uncertain significance (1 of 4 stars; one submission).

Submission:

Ambry Genetics
Classification: Uncertain significance. Last evaluated: 2023-09-01. Review status: criteria provided, single submitter. Criteria: Ambry Variant Classification Scheme 2023. Collection method: clinical testing. Allele origin: germline.
Comment: The p.N1626Y variant (also known as c.4876A>T), located in coding exon 16 of the POLQ gene, results from an A to T substitution at nucleotide position 4876. The asparagine at codon 1626 is replaced by tyrosine, an amino acid with dissimilar properties. This amino acid position is conserved. In addition, this alteration is predicted to be tolerated by in silico analysis. Since supporting evidence is limited at this time, the clinical significance of this alteration remains unclear.

NM_199420.4(POLQ):c.4876A>T (p.Asn1626Tyr)

Gene: POLQ (DNA polymerase theta; minus strand). Cytogenetic location: 3q13.33.
Variant type: single nucleotide variant.
Coding change: c.4876A>T on transcript NM_199420.4 (MANE Select); coding-DNA position 4876, A replaced by T.
Protein change: p.Asn1626Tyr; replaces asparagine 1626 with tyrosine.
Molecular consequence: missense variant.
Genome position (GRCh38, 1-based): chr3:121,488,055, T>A on the plus strand (A>T on the coding strand, the complement: POLQ is on the minus strand). VCF-style: chr3-121488055-T-A. GRCh37 (hg19) VCF-style: chr3-121206902-T-A.
Other names: short protein forms N1626Y.
Identifiers: ClinVar variation 2624453 (VCV002624453.2), dbSNP rs2546785431, ClinGen allele CA354093440.